The following is an entry in ClinVar:

ClinVar aggregate classification (germline): Uncertain significance (1 of 4 stars; one submission).

Allele frequency attached by ClinVar (database versions not stated): TOPMed below 0.00001; gnomAD 0.00001; gnomAD exomes 0.00001.
gnomAD v4.1: 7 of 1,614,032 alleles (0.00043%); highest among the groups gnomAD compares: Non-Finnish European, 0.00059%; no homozygotes.

Submission:

Labcorp Genetics (formerly Invitae), Labcorp
Classification: Uncertain significance. Last evaluated: 2022-08-31. Review status: criteria provided, single submitter. Criteria: Invitae Variant Classification Sherloc (09022015). Collection method: clinical testing. Allele origin: germline.
Comment: In summary, the available evidence is currently insufficient to determine the role of this variant in disease. Therefore, it has been classified as a Variant of Uncertain Significance. Algorithms developed to predict the effect of missense changes on protein structure and function (SIFT, PolyPhen-2, Align-GVGD) all suggest that this variant is likely to be tolerated. This variant has not been reported in the literature in individuals affected with CENPJ-related conditions. This variant is not present in population databases (gnomAD no frequency). This sequence change replaces leucine, which is neutral and non-polar, with phenylalanine, which is neutral and non-polar, at codon 426 of the CENPJ protein (p.Leu426Phe).

NM_018451.5(CPAP):c.1276C>T (p.Leu426Phe)

Gene: CPAP (centrosome assembly and centriole elongation protein; minus strand). Cytogenetic location: 13q12.13.
Variant type: single nucleotide variant.
Coding change: c.1276C>T on transcript NM_018451.5 (MANE Select); coding-DNA position 1276, C replaced by T.
Protein change: p.Leu426Phe; replaces leucine 426 with phenylalanine.
Molecular consequence: missense variant. On other transcripts: non-coding transcript variant (2).
Genome position (GRCh38, 1-based): chr13:24,906,762, G>A on the plus strand (C>T on the coding strand, the complement: CPAP is on the minus strand). VCF-style: chr13-24906762-G-A. GRCh37 (hg19) VCF-style: chr13-25480900-G-A.
Other names: short protein forms L426F.
Identifiers: ClinVar variation 1961140 (VCV001961140.5), dbSNP rs1391032548, ClinGen allele CA387588561.